The following is an entry in ClinVar:

ClinVar aggregate classification (germline): Uncertain significance (1 of 4 stars; one submission).

Conditions:
Hereditary cancer-predisposing syndrome. Also called: Neoplastic Syndromes, Hereditary; Tumor predisposition; Hereditary Cancer Syndrome; Hereditary neoplastic syndrome. Identifiers: Orphanet 140162, MedGen C0027672, MeSH D009386, MONDO:0015356.

Submission:

Ambry Genetics
Classification: Uncertain significance for Hereditary cancer-predisposing syndrome. Last evaluated: 2026-01-03. Review status: criteria provided, single submitter. Criteria: Ambry Variant Classification Scheme 2023. Collection method: clinical testing. Allele origin: germline.
Comment: The p.T36S variant (also known as c.106A>T), located in coding exon 1 of the PTCH1 gene, results from an A to T substitution at nucleotide position 106. The threonine at codon 36 is replaced by serine, an amino acid with similar properties. This amino acid position is conserved. In addition, this alteration is predicted to be tolerated by in silico analysis. Based on the available evidence, the clinical significance of this variant remains unclear.

NM_000264.5(PTCH1):c.106A>T (p.Thr36Ser)

Genes: PTCH1 (patched 1; minus strand), LOC130002133 (ATAC-STARR-seq lymphoblastoid silent region 20071; plus strand). Cytogenetic location: 9q22.32.
Variant type: single nucleotide variant.
Coding change: c.106A>T on transcript NM_000264.5 (MANE Select); coding-DNA position 106, A replaced by T.
Protein change: p.Thr36Ser; replaces threonine 36 with serine.
Molecular consequence: missense variant. On other transcripts: non-coding transcript variant (1), intron variant (3).
Genome position (GRCh38, 1-based): chr9:95,508,256, T>A on the plus strand (A>T on the coding strand, the complement: PTCH1 is on the minus strand). VCF-style: chr9-95508256-T-A. GRCh37 (hg19) VCF-style: chr9-98270538-T-A.
Other names: c.106A>T, p.Thr36Ser (NM_001354918.2); c.199-1657A>T (NM_001083603.3); c.4-1657A>T (NM_001083602.3, NM_001354919.2); short protein forms T36S.
Identifiers: ClinVar variation 4842288 (VCV004842288.1).